The following is an entry in ClinVar:

NM_001110556.2(FLNA):c.3777G>C (p.Gln1259His)

Gene: FLNA (filamin A; minus strand). Cytogenetic location: Xq28.
Variant type: single nucleotide variant.
Coding change: c.3777G>C on transcript NM_001110556.2 (MANE Select); coding-DNA position 3777, G replaced by C.
Protein change: p.Gln1259His; replaces glutamine 1259 with histidine.
Molecular consequence: missense variant.
Genome position (GRCh38, 1-based): chrX:154,360,018, C>G on the plus strand (G>C on the coding strand, the complement: FLNA is on the minus strand). VCF-style: chrX-154360018-C-G. GRCh37 (hg19) VCF-style: chrX-153588386-C-G.
Other names: c.3777G>C, p.Gln1259His (NM_001456.4); short protein forms Q1259H.
Identifiers: ClinVar variation 3061312 (VCV003061312.2), dbSNP rs782455957, ClinGen allele CA415222617.

ClinVar aggregate classification (germline): Uncertain significance (0 of 4 stars; one submission).

Conditions:
FLNA-related disorder.

Allele frequency attached by ClinVar (database versions not stated): gnomAD exomes below 0.00001.

Submission:

PreventionGenetics, part of Exact Sciences
Classification: Uncertain significance for FLNA-related condition. Last evaluated: 2024-02-01. Review status: no assertion criteria provided. Collection method: clinical testing. Allele origin: germline.
Comment: The FLNA c.3777G>C variant is predicted to result in the amino acid substitution p.Gln1259His. To our knowledge, this variant has not been reported in the literature or in a large population database, indicating this variant is rare. At this time, the clinical significance of this variant is uncertain due to the absence of conclusive functional and genetic evidence.